The following is an entry in ClinVar:

ClinVar aggregate classification (germline): Uncertain significance (1 of 4 stars; one submission).

Allele frequency attached by ClinVar (database versions not stated): gnomAD 0.00001; TOPMed below 0.00001.
gnomAD v4.1: 2 of 1,613,942 alleles (0.00012%); highest among the groups gnomAD compares: Non-Finnish European, 0.00017%; no homozygotes.

Submission:

Labcorp Genetics (formerly Invitae), Labcorp
Classification: Uncertain significance. Last evaluated: 2025-05-13. Review status: criteria provided, single submitter. Criteria: Invitae Variant Classification Sherloc (09022015). Collection method: clinical testing. Allele origin: germline.
Comment: This sequence change replaces tyrosine, which is neutral and polar, with cysteine, which is neutral and slightly polar, at codon 1424 of the SORL1 protein (p.Tyr1424Cys). This variant is present in population databases (no rsID available, gnomAD 0.007%). This variant has not been reported in the literature in individuals affected with SORL1-related conditions. ClinVar contains an entry for this variant (Variation ID: 2900607). An algorithm developed to predict the effect of missense changes on protein structure and function (PolyPhen-2) suggests that this variant is likely to be disruptive. In summary, the available evidence is currently insufficient to determine the role of this variant in disease. Therefore, it has been classified as a Variant of Uncertain Significance.

NM_003105.6(SORL1):c.4271A>G (p.Tyr1424Cys)

Gene: SORL1 (sortilin related receptor 1; plus strand). Cytogenetic location: 11q24.1.
Variant type: single nucleotide variant.
Coding change: c.4271A>G on transcript NM_003105.6 (MANE Select); coding-DNA position 4271, A replaced by G.
Protein change: p.Tyr1424Cys; replaces tyrosine 1424 with cysteine.
Molecular consequence: missense variant.
Genome position (GRCh38, 1-based): chr11:121,591,058, A>G. VCF-style: chr11-121591058-A-G. GRCh37 (hg19) VCF-style: chr11-121461767-A-G.
Other names: short protein forms Y1424C.
Identifiers: ClinVar variation 2900607 (VCV002900607.3), dbSNP rs775135385, ClinGen allele CA383033155.